The following is an entry in ClinVar:

NM_033225.6(CSMD1):c.2656G>A (p.Gly886Ser)

Gene: CSMD1 (CUB and Sushi multiple domains 1; minus strand). Cytogenetic location: 8p23.2.
Variant type: single nucleotide variant.
Coding change: c.2656G>A on transcript NM_033225.6 (MANE Select); coding-DNA position 2656, G replaced by A.
Protein change: p.Gly886Ser; replaces glycine 886 with serine.
Molecular consequence: missense variant.
Genome position (GRCh38, 1-based): chr8:3,387,620, C>T on the plus strand (G>A on the coding strand, the complement: CSMD1 is on the minus strand). VCF-style: chr8-3387620-C-T. GRCh37 (hg19) VCF-style: chr8-3245142-C-T.
Other names: short protein forms G886S.
Identifiers: ClinVar variation 5040797 (VCV005040797.1).
Genomic context (GRCh38, chr8:3,387,620, plus strand): 5'-TTAGTGTGTACCCCGGGTCACAGCTGAAAGTCACTGTGGACCTGATGCCAAAGTCTCCAC[C>T]GTGGCGATGGCCGTTCACAGGGATGCCCGGGTCCAGGCAGGAATCCGACTCAAGCGTCAC-3'
Protein context (NP_150094.5, residues 876-896): PGIPVNGHRH[Gly886Ser]GDFGIRSTVT

ClinVar aggregate classification (germline): Likely benign (1 of 4 stars; one submission).

gnomAD v4.1: 350 of 1,600,814 alleles (0.022%); highest among the groups gnomAD compares: Middle Eastern, 0.2%; 3 homozygotes.

Submission:

CeGaT Center for Human Genetics Tuebingen
Classification: Likely benign. Last evaluated: 2026-09-01. Review status: criteria provided, single submitter. Criteria: CeGaT Center For Human Genetics Tuebingen Variant Classification Criteria Version 2. Collection method: clinical testing. Allele origin: germline. Affected: yes. Observed: 1 variant allele.
Comment: CSMD1: BP4, BS2